The following is an entry in ClinVar:

NM_000059.4(BRCA2):c.70T>G (p.Leu24Val)

Gene: BRCA2 (BRCA2 DNA repair associated; plus strand). Cytogenetic location: 13q13.1.
Variant type: single nucleotide variant.
Coding change: c.70T>G on transcript NM_000059.4 (MANE Select); coding-DNA position 70, T replaced by G.
Protein change: p.Leu24Val; replaces leucine 24 with valine.
Molecular consequence: missense variant.
Genome position (GRCh38, 1-based): chr13:32,319,079, T>G. VCF-style: chr13-32319079-T-G. GRCh37 (hg19) VCF-style: chr13-32893216-T-G.
Other names: short protein forms L24V.
Identifiers: ClinVar variation 844462 (VCV000844462.10), dbSNP rs2072283918, ClinGen allele CA387754020.
Genomic context (GRCh38, chr13:32,319,079, plus strand): 5'-GGGTCACAAATTTGTCTGTCACTGGTTAAAACTAAGGTGGGATTTTTTTTTTAAATAGAT[T>G]TAGGACCAATAAGTCTTAATTGGTTTGAAGAACTTTCTTCAGAAGCTCCACCCTATAATT-3'
Protein context (NP_000050.3, residues 14-34): IFKTRCNKAD[Leu24Val]GPISLNWFEE

ClinVar aggregate classification (germline): Uncertain significance (1 of 4 stars; one submission).

Conditions:
Hereditary breast ovarian cancer syndrome. Also called: Breast and ovarian cancer; Hereditary breast and ovarian cancer syndrome; Hereditary breast and ovarian cancer syndrome (HBOC); BRCA1- and BRCA2-Associated Hereditary Breast and Ovarian Cancer; Hereditary breast and ovarian cancer; Hereditary breast and/or ovarian cancer syndrome. Identifiers: Orphanet 145, MedGen C0677776, MeSH D061325, MONDO:0003582. Disease mechanism: loss of function.

Submission:

Labcorp Genetics (formerly Invitae), Labcorp
Classification: Uncertain significance for Hereditary breast ovarian cancer syndrome. Last evaluated: 2022-02-18. Review status: criteria provided, single submitter. Criteria: Invitae Variant Classification Sherloc (09022015). Collection method: clinical testing. Allele origin: germline.
Comment: ClinVar contains an entry for this variant (Variation ID: 844462). This variant has not been reported in the literature in individuals affected with BRCA2-related conditions. This variant is not present in population databases (gnomAD no frequency). This sequence change replaces leucine, which is neutral and non-polar, with valine, which is neutral and non-polar, at codon 24 of the BRCA2 protein (p.Leu24Val). Algorithms developed to predict the effect of missense changes on protein structure and function (SIFT, PolyPhen-2, Align-GVGD) all suggest that this variant is likely to be disruptive. In summary, the available evidence is currently insufficient to determine the role of this variant in disease. Therefore, it has been classified as a Variant of Uncertain Significance. Algorithms developed to predict the effect of sequence changes on RNA splicing suggest that this variant may create or strengthen a splice site.